The following is an entry in ClinVar:

ClinVar aggregate classification (germline): Benign/Likely benign. Review status: criteria provided, multiple submitters, no conflicts (2 of 4 stars). 2 submissions from 2 submitters: Benign (1); Likely benign (1). Last evaluated 2024-07-03.

Conditions:
Hereditary cancer-predisposing syndrome. Also called: Hereditary Cancer Syndrome; Hereditary neoplastic syndrome; Neoplastic Syndromes, Hereditary; Tumor predisposition. Identifiers: Orphanet 140162, MedGen C0027672, MeSH D009386, MONDO:0015356.
Oligodontia-cancer predisposition syndrome. Also called: TOOTH AGENESIS-COLORECTAL CANCER SYNDROME. Identifiers: Orphanet 300576, MedGen C1837750, MONDO:0012075, OMIM 608615. Disease mechanism: loss of function.

Submissions (2):

Myriad Genetics, Inc.
Classification: Benign for Oligodontia-cancer predisposition syndrome. Last evaluated: 2024-07-03. Review status: criteria provided, single submitter. Criteria: Myriad Autosomal Dominant, Autosomal Recessive and X-Linked Classification Criteria (2023). Collection method: clinical testing. Allele origin: unknown.
Comment: This variant is considered benign. This variant is a silent/synonymous amino acid change and it is not expected to impact splicing.

Ambry Genetics
Classification: Likely benign for Hereditary cancer-predisposing syndrome. Last evaluated: 2021-09-20. Review status: criteria provided, single submitter. Criteria: Ambry Variant Classification Scheme 2023. Collection method: clinical testing. Allele origin: germline.

NM_004655.4(AXIN2):c.1461G>T (p.Leu487=)

Gene: AXIN2 (axin 2; minus strand). Cytogenetic location: 17q24.1.
Variant type: single nucleotide variant.
Coding change: c.1461G>T on transcript NM_004655.4 (MANE Select); coding-DNA position 1461, G replaced by T.
Protein change: p.Leu487=; no amino-acid change (leucine 487 retained).
Molecular consequence: synonymous variant.
Genome position (GRCh38, 1-based): chr17:65,537,575, C>A on the plus strand (G>T on the coding strand, the complement: AXIN2 is on the minus strand). VCF-style: chr17-65537575-C-A. GRCh37 (hg19) VCF-style: chr17-63533693-C-A.
Other names: c.1461G>T, p.Leu487= (NM_001363813.1).
Identifiers: ClinVar variation 1773174 (VCV001773174.3), dbSNP rs1598099082, ClinGen allele CA501691592.
Genomic context (GRCh38, chr17:65,537,575, plus strand): 5'-GGTCACAAAGCCTTTGCCCCCGAGGAGGGGGCAGGCGCCCGGCGAGGCGGCCGCGGGAGG[C>A]AGCTTGCCACCGGGCGGGAGCAGGGAGTGGTACTGCGAATGGTGGTGGTGGTGGTGGTCC-3'
Protein context (NP_004646.3, residues 477-497): YHSLLPPGGK[Leu487=]PPAAASPGAC